The following is an entry in ClinVar:

ClinVar aggregate classification (germline): Likely benign (1 of 4 stars; one submission).

Conditions:
KCTD1-related disorder. Also called: KCTD1-related condition.

gnomAD v4.1: 513 of 1,489,732 alleles (0.034%); highest among the groups gnomAD compares: African/African-American, 0.65%; 1 homozygote.

Submission:

PreventionGenetics, part of Exact Sciences
Classification: Likely benign for KCTD1-related condition. Last evaluated: 2026-08-02. Review status: criteria provided, single submitter. Criteria: ACMG Guidelines, 2015. Collection method: clinical testing. Allele origin: germline.
Comment: This variant is classified as likely benign based on ACMG/AMP sequence variant interpretation guidelines (Richards et al. 2015 PMID: 25741868, with internal and published modifications).

NM_001142730.3(KCTD1):c.1656C>T (p.Pro552=)

Gene: KCTD1 (potassium channel tetramerization domain containing 1; minus strand). Cytogenetic location: 18q11.2.
Variant type: single nucleotide variant.
Coding change: c.1656C>T on transcript NM_001142730.3 (MANE Select); coding-DNA position 1656, C replaced by T.
Protein change: p.Pro552=; no amino-acid change (proline 552 retained).
Molecular consequence: synonymous variant. On other transcripts: intron variant (5).
Genome position (GRCh38, 1-based): chr18:26,546,881, G>A on the plus strand (C>T on the coding strand, the complement: KCTD1 is on the minus strand). VCF-style: chr18-26546881-G-A. GRCh37 (hg19) VCF-style: chr18-24126845-G-A.
Other names: c.10-45631C>T (NM_001258222.3); c.-15-45631C>T (NM_198991.4); c.-16+2848C>T (NM_001258221.2); c.-16+2363C>T (NM_001351443.1); c.-16+2010C>T (NM_001136205.2).
Identifiers: ClinVar variation 4981917 (VCV004981917.1).